The following is an entry in ClinVar:

NM_001375524.1(TRRAP):c.4652G>A (p.Arg1551Gln)

Gene: TRRAP (transformation/transcription domain associated protein; plus strand). Cytogenetic location: 7q22.1.
Variant type: single nucleotide variant.
Coding change: c.4652G>A on transcript NM_001375524.1 (MANE Select); coding-DNA position 4652, G replaced by A.
Protein change: p.Arg1551Gln; replaces arginine 1551 with glutamine.
Molecular consequence: missense variant.
Genome position (GRCh38, 1-based): chr7:98,948,324, G>A. VCF-style: chr7-98948324-G-A. GRCh37 (hg19) VCF-style: chr7-98545947-G-A.
Other names: c.4631G>A, p.Arg1544Gln (NM_001244580.2); c.4577G>A, p.Arg1526Gln (NM_003496.4); c.4631G>A (NM_001244580.1); short protein forms R1526Q, R1544Q, R1551Q.
Identifiers: ClinVar variation 1050580 (VCV001050580.2), dbSNP rs1791178279, ClinGen allele CA368311892.
Genomic context (GRCh38, chr7:98,948,324, plus strand): 5'-TCCCGGCTGCTCCTCAGACACTGGTGAAGCCTTTGCTAGAGGTTGTCATGAAAACGGAGC[G>A]GGCGATGCTGATCGAGGTAAGGGCCATACTGAAGGCTGCTTCTCGCTCTGCCACCCTCCG-3'
Protein context (NP_001362453.1, residues 1541-1561): PLLEVVMKTE[Arg1551Gln]AMLIEAGSPF

ClinVar aggregate classification (germline): Uncertain significance. Review status: criteria provided, single submitter (1 of 4 stars). 2 submissions from 2 submitters: Uncertain significance (1). 1 of the submissions does not count toward it. Last evaluated 2025-01-20.

Conditions:
Inborn genetic diseases. Identifiers: MedGen C0950123, MeSH D030342.

Allele frequency attached by ClinVar (database versions not stated): gnomAD exomes below 0.00001; TOPMed below 0.00001.
gnomAD v4.1: 2 of 1,614,174 alleles (0.00012%); highest among the groups gnomAD compares: Non-Finnish European, 0.00017%; no homozygotes.

Submissions (2):

Ambry Genetics
Classification: Uncertain significance for Inborn genetic diseases. Last evaluated: 2025-01-20. Review status: criteria provided, single submitter. Criteria: Ambry Variant Classification Scheme 2023. Collection method: clinical testing. Allele origin: germline.

Department of Pathology and Laboratory Medicine, Sinai Health System
Classification: Uncertain significance. Review status: no assertion criteria provided. Collection method: clinical testing. Allele origin: unknown. Affected: yes. Study: The Canadian Open Genetics Repository (COGR). Not counted in ClinVar's aggregate classification.
Comment: The TRRAP p.Arg1544Gln variant was not identified in the literature nor was it identified in dbSNP, ClinVar or LOVD 3.0. The variant was not identified in the following control databases: the 1000 Genomes Project, the NHLBI GO Exome Sequencing Project, the Exome Aggregation Consortium (August 8th 2016), or the Genome Aggregation Database (March 6, 2019, v2.1.1). The p.Arg1544 residue is conserved in mammals but not in more distantly related organisms however four out of five computational analyses (PolyPhen-2, SIFT, AlignGVGD, BLOSUM, MutationTaster) do not suggest a high likelihood of impact to the protein; this information is not predictive enough to rule out pathogenicity. The variant occurs outside of the splicing consensus sequence and in silico or computational prediction software programs (SpliceSiteFinder, MaxEntScan, NNSPLICE, GeneSplicer) do not predict a difference in splicing. In summary, based on the above information the clinical significance of this variant cannot be determined with certainty at this time. This variant is classified as a variant of uncertain significance.